The following is an entry in ClinVar:

ClinVar aggregate classification (germline): Uncertain significance (1 of 4 stars; one submission).

Allele frequency attached by ClinVar (database versions not stated): ExAC 0.00002; gnomAD 0.00002; ESP Exome Variant Server 0.00008; gnomAD exomes 0.00001; TOPMed 0.00003.
gnomAD v4.1: 25 of 1,613,980 alleles (0.0015%); highest among the groups gnomAD compares: African/African-American, 0.004%; no homozygotes.

Submission:

Labcorp Genetics (formerly Invitae), Labcorp
Classification: Uncertain significance. Last evaluated: 2025-06-14. Review status: criteria provided, single submitter. Criteria: Invitae Variant Classification Sherloc (09022015). Collection method: clinical testing. Allele origin: germline.
Comment: This sequence change replaces proline, which is neutral and non-polar, with alanine, which is neutral and non-polar, at codon 732 of the TET2 protein (p.Pro732Ala). This variant is present in population databases (rs199638510, gnomAD 0.0009%). This variant has not been reported in the literature in individuals affected with TET2-related conditions. ClinVar contains an entry for this variant (Variation ID: 2885608). An algorithm developed to predict the effect of missense changes on protein structure and function outputs the following: PolyPhen-2: "Benign". The alanine amino acid residue is found in multiple mammalian species, which suggests that this missense change does not adversely affect protein function. In summary, the available evidence is currently insufficient to determine the role of this variant in disease. Therefore, it has been classified as a Variant of Uncertain Significance.

NM_001127208.3(TET2):c.2194C>G (p.Pro732Ala)

Genes: TET2 (tet methylcytosine dioxygenase 2; plus strand), TET2-AS1 (TET2 antisense RNA 1; minus strand). Cytogenetic location: 4q24.
Variant type: single nucleotide variant.
Coding change: c.2194C>G on transcript NM_001127208.3 (MANE Select); coding-DNA position 2194, C replaced by G.
Protein change: p.Pro732Ala; replaces proline 732 with alanine.
Molecular consequence: missense variant.
Genome position (GRCh38, 1-based): chr4:105,236,136, C>G. VCF-style: chr4-105236136-C-G. GRCh37 (hg19) VCF-style: chr4-106157293-C-G.
Other names: c.2194C>G, p.Pro732Ala (NM_017628.4); short protein forms P732A.
Identifiers: ClinVar variation 2885608 (VCV002885608.2), dbSNP rs199638510, ClinGen allele CA3031830.